The following is an entry in ClinVar:

ClinVar aggregate classification (germline): Likely benign (0 of 4 stars; one submission).

Conditions:
PLXNA4-related disorder. Also called: PLXNA4-related condition.

gnomAD v4.1: 4 of 1,592,544 alleles (0.00025%); highest among the groups gnomAD compares: African/African-American, 0.004%; no homozygotes.

Submission:

PreventionGenetics, part of Exact Sciences
Classification: Likely benign for PLXNA4-related condition. Last evaluated: 2023-03-24. Review status: no assertion criteria provided. Collection method: clinical testing. Allele origin: germline.
Comment: This variant is classified as likely benign based on ACMG/AMP sequence variant interpretation guidelines (Richards et al. 2015 PMID: 25741868, with internal and published modifications).

NM_020911.2(PLXNA4):c.4038G>A (p.Glu1346=)

Gene: PLXNA4 (plexin A4; minus strand). Cytogenetic location: 7q32.3.
Variant type: single nucleotide variant.
Coding change: c.4038G>A on transcript NM_020911.2 (MANE Select); coding-DNA position 4038, G replaced by A.
Protein change: p.Glu1346=; no amino-acid change (glutamic acid 1346 retained).
Molecular consequence: synonymous variant.
Genome position (GRCh38, 1-based): chr7:132,168,552, C>T on the plus strand (G>A on the coding strand, the complement: PLXNA4 is on the minus strand). VCF-style: chr7-132168552-C-T. GRCh37 (hg19) VCF-style: chr7-131853311-C-T.
Other names: c.4038G>A, p.Glu1346= (NM_001393897.1).
Identifiers: ClinVar variation 3356468 (VCV003356468.1).